The following is an entry in ClinVar:

NM_001903.5(CTNNA1):c.67_68del (p.Leu23fs)

Gene: CTNNA1 (catenin alpha 1; plus strand). Cytogenetic location: 5q31.2.
Variant type: Microsatellite.
Coding change: c.67_68del on transcript NM_001903.5 (MANE Select); coding-DNA positions 67 to 68, 2 bases deleted (CT; older notation c.67_68delCT).
Protein change: p.Leu23fs; shifts the reading frame from leucine 23.
Molecular consequence: frameshift variant. On other transcripts: 5 prime UTR variant (2).
Genome position (GRCh38, 1-based): chr5:138,781,991-138,781,992, CT deleted; deleting any 2 consecutive bases within chr5:138,781,989-138,781,992 gives the same sequence; the c. name uses the placement nearest the transcript's 3' end. VCF-style (leftmost placement, unchanged base first): chr5-138781988-ACT-A. GRCh37 (hg19) VCF-style: chr5-138117677-ACT-A.
Other names: c.67_68del, p.Leu23fs (NM_001290307.3, NM_001323982.2, NM_001323983.1 and 3 more transcripts); c.-49CT[1] (NM_001290309.3); c.-142CT[1] (NM_001290310.3); short protein forms L23fs.
Identifiers: ClinVar variation 3653282 (VCV003653282.2).
Genomic context (GRCh38, chr5:138,781,988, plus strand): 5'-ACTGCTGTCCATGCAGGCAACATAAACTTCAAGTGGGATCCTAAAAGTCTAGAGATCAGG[ACT>A]CTGGCAGTTGAGAGACTGTTGGAGCCTCTTGTTACACAGGTAAGAATCTGAAAACACAAA-3'

ClinVar aggregate classification (germline): Pathogenic (1 of 4 stars; one submission).

Submission:

Labcorp Genetics (formerly Invitae), Labcorp
Classification: Pathogenic. Last evaluated: 2024-05-14. Review status: criteria provided, single submitter. Criteria: Invitae Variant Classification Sherloc (09022015). Collection method: clinical testing. Allele origin: germline.
Comment: This sequence change creates a premature translational stop signal (p.Leu23Glyfs*3) in the CTNNA1 gene. It is expected to result in an absent or disrupted protein product. Loss-of-function variants in CTNNA1 are known to be pathogenic (PMID: 32051609, 34425242). This variant is not present in population databases (gnomAD no frequency). This variant has not been reported in the literature in individuals affected with CTNNA1-related conditions. For these reasons, this variant has been classified as Pathogenic.

Literature cited by the submitters: PubMed 32051609; PubMed 34425242.